The following is an entry in ClinVar:

NM_017763.6(RNF43):c.1468G>C (p.Val490Leu)

Gene: RNF43 (ring finger protein 43; minus strand). Cytogenetic location: 17q22.
Variant type: single nucleotide variant.
Coding change: c.1468G>C on transcript NM_017763.6 (MANE Select); coding-DNA position 1468, G replaced by C.
Protein change: p.Val490Leu; replaces valine 490 with leucine.
Molecular consequence: missense variant.
Genome position (GRCh38, 1-based): chr17:58,358,308, C>G on the plus strand (G>C on the coding strand, the complement: RNF43 is on the minus strand). VCF-style: chr17-58358308-C-G. GRCh37 (hg19) VCF-style: chr17-56435669-C-G.
Other names: c.1468G>C, p.Val490Leu (NM_001305544.3); c.1087G>C, p.Val363Leu (NM_001305545.2); short protein forms V363L, V490L.
Identifiers: ClinVar variation 3658510 (VCV003658510.2).

ClinVar aggregate classification (germline): Uncertain significance (1 of 4 stars; one submission).

gnomAD v4.1: 2 of 1,614,146 alleles (0.00012%); highest among the groups gnomAD compares: Non-Finnish European, 0.00017%; no homozygotes.

Submission:

Labcorp Genetics (formerly Invitae), Labcorp
Classification: Uncertain significance. Last evaluated: 2025-08-06. Review status: criteria provided, single submitter. Criteria: Invitae Variant Classification Sherloc (09022015). Collection method: clinical testing. Allele origin: germline.
Comment: This sequence change replaces valine, which is neutral and non-polar, with leucine, which is neutral and non-polar, at codon 490 of the RNF43 protein (p.Val490Leu). This variant is not present in population databases (gnomAD no frequency). This variant has not been reported in the literature in individuals affected with RNF43-related conditions. ClinVar contains an entry for this variant (Variation ID: 3658510). An algorithm developed to predict the effect of missense changes on protein structure and function (PolyPhen-2) suggests that this variant is likely to be tolerated. In summary, the available evidence is currently insufficient to determine the role of this variant in disease. Therefore, it has been classified as a Variant of Uncertain Significance.